The following is an entry in ClinVar:

NM_000313.4(PROS1):c.492del (p.Ser165fs)

Gene: PROS1 (protein S; minus strand). Cytogenetic location: 3q11.1.
Variant type: Deletion.
Coding change: c.492del on transcript NM_000313.4 (MANE Select); coding-DNA position 492, one base deleted (C; older notation c.492delC).
Protein change: p.Ser165fs; shifts the reading frame from serine 165.
Molecular consequence: frameshift variant.
Genome position (GRCh38, 1-based): chr3:93,905,893, G deleted on the plus strand (C on the coding strand, the reverse complement: PROS1 is on the minus strand); the first of 3 consecutive G bases (chr3:93,905,893-93,905,895); deleting any one gives the same sequence. VCF-style (leftmost placement, unchanged base first): chr3-93905892-AG-A. GRCh37 (hg19) VCF-style: chr3-93624736-AG-A.
Other names: p.Ser165Glnfs*3; c.490delC, p.Ser165Glnfs (NM_000313.3); c.588del, p.Ser197fs (NM_001314077.2); short protein forms S165fs, S197fs.
Identifiers: ClinVar variation 2683277 (VCV002683277.1), dbSNP rs2472142700, ClinGen allele CA2697556779.

ClinVar aggregate classification (germline): Likely pathogenic (1 of 4 stars; one submission).

Submission:

Mayo Clinic Laboratories, Mayo Clinic
Classification: Likely pathogenic. Last evaluated: 2023-03-02. Review status: criteria provided, single submitter. Criteria: ACMG Guidelines, 2015. Collection method: clinical testing. Allele origin: germline. Observed: 1 variant allele.
Comment: PM2, PVS1